The following is an entry in ClinVar:

ClinVar aggregate classification (germline): Uncertain significance (1 of 4 stars; one submission).

Conditions:
Lynch syndrome. Identifiers: Orphanet 144, MedGen C4552100, MONDO:0005835. Disease mechanism: loss of function.

Submission:

All of Us Research Program, National Institutes of Health
Classification: Uncertain significance for Lynch syndrome. Last evaluated: 2023-10-06. Review status: criteria provided, single submitter. Criteria: ACMG Guidelines, 2015. Collection method: clinical testing. Allele origin: germline. Inheritance: Autosomal dominant inheritance. Observed: 1 variant allele, 1 heterozygote.
Comment: This missense variant replaces serine with threonine at codon 529 of the PMS2 protein. Computational prediction suggests that this variant may not impact protein structure and function (internally defined REVEL score threshold <= 0.5, PMID: 27666373). To our knowledge, functional studies have not been reported for this variant. This variant has not been reported in individuals affected with PMS2 related disorders in the literature. This variant has not been identified in the general population by the Genome Aggregation Database (gnomAD). The available evidence is insufficient to determine the role of this variant in disease conclusively. Therefore, this variant is classified as a Variant of Uncertain Significance.

This study involves interpretation of variants in research participants for the purpose of population health screening. Participant phenotype was not available at the time of variant classification. Additional details can be found in publication PMID: 35346344, PMCID: PMC8962531

NM_000535.7(PMS2):c.1585T>A (p.Ser529Thr)

Gene: PMS2 (PMS1 homolog 2, mismatch repair system component; minus strand). Cytogenetic location: 7p22.1.
Variant type: single nucleotide variant.
Coding change: c.1585T>A on transcript NM_000535.7 (MANE Select); coding-DNA position 1585, T replaced by A.
Protein change: p.Ser529Thr; replaces serine 529 with threonine.
Molecular consequence: missense variant. On other transcripts: non-coding transcript variant (1), intron variant (1).
Genome position (GRCh38, 1-based): chr7:5,987,180, A>T on the plus strand (T>A on the coding strand, the complement: PMS2 is on the minus strand). VCF-style: chr7-5987180-A-T. GRCh37 (hg19) VCF-style: chr7-6026811-A-T.
Other names: c.1180T>A, p.Ser394Thr (NM_001018040.1, NM_001322003.2, NM_001322004.2 and 17 more transcripts); c.1429T>A, p.Ser477Thr (NM_001322006.2, NM_001406870.1); c.1267T>A, p.Ser423Thr (NM_001322007.2, NM_001322008.2, NM_001406876.1 and 2 more transcripts); c.1024T>A, p.Ser342Thr (NM_001322010.2, NM_001406906.1, NM_001406907.1); c.652T>A, p.Ser218Thr (NM_001322011.2, NM_001322012.2); c.1012T>A, p.Ser338Thr (NM_001322013.2, NM_001406909.1); c.1585T>A, p.Ser529Thr (NM_001322014.2, NM_001406871.1, NM_001406872.1); c.1276T>A, p.Ser426Thr (NM_001322015.2, NM_001406875.1, NM_001406877.1 and 5 more transcripts); and 13 more; short protein forms S218T, S272T, S338T, S342T, S358T, S371T, S374T, S394T.
Identifiers: ClinVar variation 3073783 (VCV003073783.1), dbSNP rs1783041110, ClinGen allele CA366741543.